The following is an entry in ClinVar:

NM_006031.6(PCNT):c.7356C>T (p.Asp2452=)

Gene: PCNT (pericentrin; plus strand). Cytogenetic location: 21q22.3.
Variant type: single nucleotide variant.
Coding change: c.7356C>T on transcript NM_006031.6 (MANE Select); coding-DNA position 7356, C replaced by T.
Protein change: p.Asp2452=; no amino-acid change (aspartic acid 2452 retained).
Molecular consequence: synonymous variant.
Genome position (GRCh38, 1-based): chr21:46,427,657, C>T. VCF-style: chr21-46427657-C-T. GRCh37 (hg19) VCF-style: chr21-47847571-C-T.
Other names: c.7002C>T, p.Asp2334= (NM_001315529.2).
Identifiers: ClinVar variation 3354232 (VCV003354232.1).

ClinVar aggregate classification (germline): Likely benign (0 of 4 stars; one submission).

Conditions:
PCNT-related disorder. Also called: PCNT-related condition.

gnomAD v4.1: 1 of 1,613,976 alleles (0.000062%); highest among the groups gnomAD compares: South Asian, 0.0011%; no homozygotes.

Submission:

PreventionGenetics, part of Exact Sciences
Classification: Likely benign for PCNT-related condition. Last evaluated: 2022-09-25. Review status: no assertion criteria provided. Collection method: clinical testing. Allele origin: germline.
Comment: This variant is classified as likely benign based on ACMG/AMP sequence variant interpretation guidelines (Richards et al. 2015 PMID: 25741868, with internal and published modifications).